The following is an entry in ClinVar:

ClinVar aggregate classification (germline): Uncertain significance (1 of 4 stars; one submission).

Conditions:
Bethlem myopathy 1A. Also called: MYOPATHY, BENIGN CONGENITAL, WITH CONTRACTURES; Bethlem myopathy 1; Bethlem Muscular Dystrophy. Identifiers: Orphanet 610, MedGen CN029274, MONDO:0024530, OMIM 158810.

Submission:

Labcorp Genetics (formerly Invitae), Labcorp
Classification: Uncertain significance for Bethlem myopathy 1A. Last evaluated: 2023-12-01. Review status: criteria provided, single submitter. Criteria: Invitae Variant Classification Sherloc (09022015). Collection method: clinical testing. Allele origin: germline.
Comment: This sequence change replaces valine, which is neutral and non-polar, with isoleucine, which is neutral and non-polar, at codon 662 of the COL6A3 protein (p.Val662Ile). This variant is not present in population databases (gnomAD no frequency). This variant has not been reported in the literature in individuals affected with COL6A3-related conditions. Advanced modeling of protein sequence and biophysical properties (such as structural, functional, and spatial information, amino acid conservation, physicochemical variation, residue mobility, and thermodynamic stability) performed at Invitae indicates that this missense variant is not expected to disrupt COL6A3 protein function with a negative predictive value of 95%. In summary, the available evidence is currently insufficient to determine the role of this variant in disease. Therefore, it has been classified as a Variant of Uncertain Significance.

NM_004369.4(COL6A3):c.1984G>A (p.Val662Ile)

Gene: COL6A3 (collagen type VI alpha 3 chain; minus strand). Cytogenetic location: 2q37.3.
Variant type: single nucleotide variant.
Coding change: c.1984G>A on transcript NM_004369.4 (MANE Select); coding-DNA position 1984, G replaced by A.
Protein change: p.Val662Ile; replaces valine 662 with isoleucine.
Molecular consequence: missense variant. On other transcripts: intron variant (1).
Genome position (GRCh38, 1-based): chr2:237,379,149, C>T on the plus strand (G>A on the coding strand, the complement: COL6A3 is on the minus strand). VCF-style: chr2-237379149-C-T. GRCh37 (hg19) VCF-style: chr2-238287792-C-T.
Other names: c.763G>A, p.Val255Ile (NM_057164.5); c.1366G>A, p.Val456Ile (NM_057165.5, NM_057167.4); c.676+1766G>A (NM_057166.5); short protein forms V255I, V662I, V456I.
Identifiers: ClinVar variation 2700203 (VCV002700203.3), dbSNP rs2469921221, ClinGen allele CA351215081.